The following is an entry in ClinVar:

NM_016148.5(SHANK1):c.2282A>C (p.Asp761Ala)

Gene: SHANK1 (SH3 and multiple ankyrin repeat domains 1; minus strand). Cytogenetic location: 19q13.33.
Variant type: single nucleotide variant.
Coding change: c.2282A>C on transcript NM_016148.5 (MANE Select); coding-DNA position 2282, A replaced by C.
Protein change: p.Asp761Ala; replaces aspartic acid 761 with alanine.
Molecular consequence: missense variant.
Genome position (GRCh38, 1-based): chr19:50,687,949, T>G on the plus strand (A>C on the coding strand, the complement: SHANK1 is on the minus strand). VCF-style: chr19-50687949-T-G. GRCh37 (hg19) VCF-style: chr19-51191206-T-G.
Other names: short protein forms D761A.
Identifiers: ClinVar variation 5009377 (VCV005009377.1).
Genomic context (GRCh38, chr19:50,687,949, plus strand): 5'-AGTGGGGTGGCTGCGAGAGTGGCCGCAGGAGCACCTTTCTTGTGCACTGCCTCATCCATG[T>G]CCGGGTGCCTGGTGACCATCACCACCTTCACCATCAGCGTGTTGCCCCCTTGGCGGATCA-3'
Protein context (NP_057232.2, residues 751-771): VKVVMVTRHP[Asp761Ala]MDEAVHKKAP

ClinVar aggregate classification (germline): Uncertain significance (1 of 4 stars; one submission).

Submission:

GeneDx
Classification: Uncertain significance. Last evaluated: 2026-03-17. Review status: criteria provided, single submitter. Criteria: GeneDx Variant Classification Process June 2021. Collection method: clinical testing. Allele origin: germline.
Comment: Not observed at significant frequency in large population cohorts (gnomAD); In silico analysis supports that this missense variant has a deleterious effect on protein structure/function; Has not been previously published as pathogenic or benign to our knowledge